The following is an entry in ClinVar:

NM_001034850.3(RETREG1):c.797G>A (p.Arg266His)

Gene: RETREG1 (reticulophagy regulator 1; minus strand). Cytogenetic location: 5p15.1.
Variant type: single nucleotide variant.
Coding change: c.797G>A on transcript NM_001034850.3 (MANE Select); coding-DNA position 797, G replaced by A.
Protein change: p.Arg266His; replaces arginine 266 with histidine.
Molecular consequence: missense variant.
Genome position (GRCh38, 1-based): chr5:16,478,861, C>T on the plus strand (G>A on the coding strand, the complement: RETREG1 is on the minus strand). VCF-style: chr5-16478861-C-T. GRCh37 (hg19) VCF-style: chr5-16478970-C-T.
Other names: c.374G>A, p.Arg125His (NM_019000.5); c.797G>A (NM_001034850.1); short protein forms R266H, R125H.
Identifiers: ClinVar variation 863130 (VCV000863130.8), dbSNP rs374340868, ClinGen allele CA3210347.

ClinVar aggregate classification (germline): Uncertain significance. Review status: criteria provided, multiple submitters, no conflicts (2 of 4 stars). 2 submissions from 2 submitters: Uncertain significance (2). Last evaluated 2022-02-05.

Conditions:
Inborn genetic diseases. Identifiers: MedGen C0950123, MeSH D030342.

Allele frequency attached by ClinVar (database versions not stated): gnomAD exomes 0.00001 and 0.00002; ExAC 0.00002; gnomAD 0.00002 and 0.00003; TOPMed 0.00002; ESP Exome Variant Server 0.00009.
gnomAD v4.1: 17 of 1,611,818 alleles (0.0011%); highest among the groups gnomAD compares: Middle Eastern, 0.017%; no homozygotes.

Submissions (2):

Labcorp Genetics (formerly Invitae), Labcorp
Classification: Uncertain significance. Last evaluated: 2022-02-05. Review status: criteria provided, single submitter. Criteria: Invitae Variant Classification Sherloc (09022015). Collection method: clinical testing. Allele origin: germline.
Comment: In summary, the available evidence is currently insufficient to determine the role of this variant in disease. Therefore, it has been classified as a Variant of Uncertain Significance. Algorithms developed to predict the effect of missense changes on protein structure and function are either unavailable or do not agree on the potential impact of this missense change (SIFT: "Deleterious"; PolyPhen-2: "Possibly Damaging"; Align-GVGD: "Class C0"). ClinVar contains an entry for this variant (Variation ID: 863130). This variant has not been reported in the literature in individuals affected with RETREG1-related conditions. This variant is present in population databases (rs374340868, gnomAD 0.007%). This sequence change replaces arginine, which is basic and polar, with histidine, which is basic and polar, at codon 266 of the RETREG1 protein (p.Arg266His).

Ambry Genetics
Classification: Uncertain significance for Inborn genetic diseases. Last evaluated: 2022-01-27. Review status: criteria provided, single submitter. Criteria: Ambry Variant Classification Scheme 2023. Collection method: clinical testing. Allele origin: germline.